The following is an entry in ClinVar:

ClinVar aggregate classification (germline): Conflicting classifications of pathogenicity. Review status: criteria provided, conflicting classifications (1 of 4 stars). 4 submissions from 4 submitters: Uncertain significance (3); Likely benign (1). Last evaluated 2025-11-17.

Conditions:
Hypophosphatasia. Also called: Phosphoethanol-aminuria. Identifiers: Orphanet 436, MedGen C0020630, MeSH D007014, MONDO:0018570.
Adult hypophosphatasia. Identifiers: Orphanet 247676, Orphanet 436, MedGen C0268413, MONDO:1010154, OMIM 146300, MONDO:0007798.
Childhood hypophosphatasia. Identifiers: Orphanet 247667, Orphanet 436, MedGen C0220743, MONDO:1010168, OMIM 241510, MONDO:0009428.
Infantile hypophosphatasia. Identifiers: Orphanet 247651, Orphanet 436, MedGen C0268412, MONDO:1010169, OMIM 241500, MONDO:0009427.

Submissions (4):

Labcorp Genetics (formerly Invitae), Labcorp
Classification: Likely benign. Last evaluated: 2025-11-17. Review status: criteria provided, single submitter. Criteria: Invitae Variant Classification Sherloc (09022015). Collection method: clinical testing. Allele origin: germline.

JKU Lab, Dept of Paediatrics, Johannes Kepler University
Classification: Uncertain significance for Hypophosphatasia. Last evaluated: 2025-06-26. Review status: criteria provided, single submitter. Criteria: ACMG Guidelines, 2015. Collection method: clinical testing. Allele origin: germline. Affected: yes.
Comment: This intronic variant is present in GnomAD 4.1 (f = 0.00007498). REVEL score is not applicable. Splice-prediction algorithms predict an acceptor gain of 0.15 (15bp downstream). In-vitro functional studies were not undertaken.This variant has not been reported in the literature in individuals affected with ALPL-related conditions. The ACMG criteria applied can be looked up in the ALPL gene variant database.

Fulgent Genetics
Classification: Uncertain significance for Adult hypophosphatasia; Infantile hypophosphatasia; Childhood hypophosphatasia. Last evaluated: 2024-06-14. Review status: criteria provided, single submitter. Criteria: ACMG Guidelines, 2015. Collection method: clinical testing. Allele origin: germline.

Blueprint Genetics
Classification: Uncertain significance. Last evaluated: 2024-03-18. Review status: criteria provided, single submitter. Criteria: ACMG Guidelines, 2015. Collection method: clinical testing. Allele origin: germline.

NM_000478.6(ALPL):c.62-16CT[2]

Gene: ALPL (alkaline phosphatase, biomineralization associated; plus strand). Cytogenetic location: 1p36.12.
Variant type: Microsatellite.
Coding change: c.62-16CT[2] on transcript NM_000478.6 (MANE Select); two copies in a row of the 2-base unit CT starting at c.62-16; the reference has four copies in a row; two copies, 4 bases deleted.
Molecular consequence: intron variant.
Genome position (GRCh38, 1-based): chr1:21,560,614-21,560,617, CTCT deleted; deleting any 4 consecutive bases within chr1:21,560,610-21,560,617 gives the same sequence; the position shown is the placement nearest the transcript's 3' end. VCF-style (leftmost placement, unchanged base first): chr1-21560609-CCTCT-C. GRCh37 (hg19) VCF-style: chr1-21887102-CCTCT-C.
Other names: c.62-16CT[2] (NM_001369805.2, NM_001369804.2, NM_001369803.2); c.-104-16CT[2] (NM_001127501.4); c.-54-16CT[2] (NM_001177520.3); c.62-12_62-9del (NM_000478.6).
Identifiers: ClinVar variation 2151642 (VCV002151642.7), dbSNP rs770038333, ClinGen allele CA666380.